The following is an entry in ClinVar:

NC_000023.10:g.(?_107681152)_(107683456_?)dup

Genes: COL4A5 (collagen type IV alpha 5 chain; plus strand), COL4A6 (collagen type IV alpha 6 chain; minus strand). Cytogenetic location: Xq22.3.
Variant type: Duplication.
Identifiers: ClinVar variation 1482196 (VCV001482196.2).

ClinVar aggregate classification (germline): Uncertain significance (1 of 4 stars; one submission).

Submission:

Labcorp Genetics (formerly Invitae), Labcorp
Classification: Uncertain significance. Last evaluated: 2022-10-17. Review status: criteria provided, single submitter. Criteria: Invitae Variant Classification Sherloc (09022015). Collection method: clinical testing. Allele origin: germline.
Comment: In summary, the available evidence is currently insufficient to determine the role of this variant in disease. Therefore, it has been classified as a Variant of Uncertain Significance. Experimental studies and prediction algorithms are not available or were not evaluated, and the functional significance of this variant is currently unknown. This variant has not been reported in the literature in individuals affected with COL4A6-related conditions. This variant results in a copy number gain of the genomic region encompassing exon(s) 1-2 of the COL4A6 gene. This region includes the initiator codon of the gene. This copy number gain extends beyond the assayed region for this gene and therefore may encompass additional genes. As the precise location of this event is unknown, it may be in tandem or it may be located elsewhere in the genome.